The following is an entry in ClinVar:

ClinVar aggregate classification (germline): Uncertain significance (1 of 4 stars; one submission).

Submission:

Labcorp Genetics (formerly Invitae), Labcorp
Classification: Uncertain significance. Last evaluated: 2024-11-22. Review status: criteria provided, single submitter. Criteria: Invitae Variant Classification Sherloc (09022015). Collection method: clinical testing. Allele origin: germline.
Comment: This sequence change replaces glutamic acid, which is acidic and polar, with alanine, which is neutral and non-polar, at codon 657 of the SAMD9L protein (p.Glu657Ala). This variant is not present in population databases (gnomAD no frequency). This variant has not been reported in the literature in individuals affected with SAMD9L-related conditions. Invitae Evidence Modeling of protein sequence and biophysical properties (such as structural, functional, and spatial information, amino acid conservation, physicochemical variation, residue mobility, and thermodynamic stability) indicates that this missense variant is not expected to disrupt SAMD9L protein function with a negative predictive value of 80%. In summary, the available evidence is currently insufficient to determine the role of this variant in disease. Therefore, it has been classified as a Variant of Uncertain Significance.

NM_152703.5(SAMD9L):c.1970A>C (p.Glu657Ala)

Gene: SAMD9L (sterile alpha motif domain containing 9 like; minus strand). Cytogenetic location: 7q21.2.
Variant type: single nucleotide variant.
Coding change: c.1970A>C on transcript NM_152703.5 (MANE Select); coding-DNA position 1970, A replaced by C.
Protein change: p.Glu657Ala; replaces glutamic acid 657 with alanine.
Molecular consequence: missense variant.
Genome position (GRCh38, 1-based): chr7:93,134,002, T>G on the plus strand (A>C on the coding strand, the complement: SAMD9L is on the minus strand). VCF-style: chr7-93134002-T-G. GRCh37 (hg19) VCF-style: chr7-92763315-T-G.
Other names: c.1970A>C, p.Glu657Ala (NM_001303496.3, NM_001303497.3, NM_001303498.3 and 5 more transcripts); short protein forms E657A.
Identifiers: ClinVar variation 3667344 (VCV003667344.2).